The following is an entry in ClinVar:

ClinVar aggregate classification (germline): Likely pathogenic (1 of 4 stars; one submission).

Conditions:
Spermatogenic failure 67 (SPGF67). Identifiers: MedGen C5676947, MONDO:0030718, OMIM 619803.

Submission:

First Genomix Gene Laboratory, Genetic Diagnostics Department
Classification: Likely pathogenic for Spermatogenic failure 67. Last evaluated: 2025-09-24. Review status: criteria provided, single submitter. Criteria: ACMG Guidelines, 2015. Collection method: clinical testing. Allele origin: germline. Inheritance: Autosomal recessive inheritance. Affected: no. Observed: 1 variant allele.

NM_201435.5(CCDC62):c.132_133insG (p.Asn45fs)

Gene: CCDC62 (coiled-coil domain containing 62; plus strand). Cytogenetic location: 12q24.31.
Variant type: Insertion.
Coding change: c.132_133insG on transcript NM_201435.5 (MANE Select); coding-DNA positions 132 to 133, G inserted.
Protein change: p.Asn45fs; shifts the reading frame from asparagine 45.
Molecular consequence: frameshift variant. On other transcripts: non-coding transcript variant (1).
Genome position: GRCh38 VCF-style: chr12-122777586-C-CG. GRCh37 (hg19) VCF-style: chr12-123262133-C-CG.
Other names: short protein forms N45fs.
Identifiers: ClinVar variation 4850443 (VCV004850443.1).